The following is an entry in ClinVar:

ClinVar aggregate classification (germline): Uncertain significance (1 of 4 stars; one submission).

gnomAD v4.1: 1 of 1,613,524 alleles (0.000062%); highest among the groups gnomAD compares: Non-Finnish European, 0.000085%; no homozygotes.

Submission:

Mayo Clinic Laboratories, Mayo Clinic
Classification: Uncertain significance. Last evaluated: 2024-11-08. Review status: criteria provided, single submitter. Criteria: ACMG Guidelines, 2015. Collection method: clinical testing. Allele origin: germline. Observed: 1 variant allele.
Comment: BP4, PM2_supporting

NM_001267550.2(TTN):c.90625G>A (p.Ala30209Thr)

Genes: TTN (titin; minus strand), TTN-AS1 (TTN antisense RNA 1; plus strand). Cytogenetic location: 2q31.2.
Variant type: single nucleotide variant.
Coding change: c.90625G>A on transcript NM_001267550.2 (MANE Select); coding-DNA position 90625, G replaced by A.
Protein change: p.Ala30209Thr; replaces alanine 30209 with threonine.
Molecular consequence: missense variant.
Genome position (GRCh38, 1-based): chr2:178,552,275, C>T on the plus strand (G>A on the coding strand, the complement: TTN is on the minus strand). VCF-style: chr2-178552275-C-T. GRCh37 (hg19) VCF-style: chr2-179417002-C-T.
Other names: p.Ala27641Thr; c.85702G>A, p.Ala28568Thr (NM_001256850.1); c.63430G>A, p.Ala21144Thr (NM_003319.4); c.82921G>A, p.Ala27641Thr (NM_133378.4); c.63805G>A, p.Ala21269Thr (NM_133432.3); c.64006G>A, p.Ala21336Thr (NM_133437.4); short protein forms A21269T, A27641T, A21144T, A28568T, A21336T, A30209T.
Identifiers: ClinVar variation 4540707 (VCV004540707.1).